The following is an entry in ClinVar:

NM_003000.3(SDHB):c.657G>T (p.Met219Ile)

Gene: SDHB (succinate dehydrogenase complex iron sulfur subunit B; minus strand). Cytogenetic location: 1p36.13.
Variant type: single nucleotide variant.
Coding change: c.657G>T on transcript NM_003000.3 (MANE Select); coding-DNA position 657, G replaced by T.
Protein change: p.Met219Ile; replaces methionine 219 with isoleucine.
Molecular consequence: missense variant.
Genome position (GRCh38, 1-based): chr1:17,022,716, C>A on the plus strand (G>T on the coding strand, the complement: SDHB is on the minus strand). VCF-style: chr1-17022716-C-A. GRCh37 (hg19) VCF-style: chr1-17349211-C-A.
Other names: c.603G>T, p.Met201Ile (NM_001407361.1); short protein forms M201I, M219I.
Identifiers: ClinVar variation 2028320 (VCV002028320.5), dbSNP rs2525004386, ClinGen allele CA338270478.

ClinVar aggregate classification (germline): Uncertain significance (1 of 4 stars; one submission).

Conditions:
Pheochromocytoma. Also called: MAX-Related Hereditary Paraganglioma-Pheochromocytoma Syndrome. Identifiers: Orphanet 29072, MedGen C0031511, MONDO:0008233, OMIM 171300, HP:0002666.
Gastrointestinal stromal tumor. Also called: Gastrointestinal stroma tumor; Gastrointestinal stromal tumor, somatic. Identifiers: Orphanet 44890, MedGen C0238198, MeSH D046152, MONDO:0011719, OMIM 606764, HP:0100723.
Pheochromocytoma/paraganglioma syndrome 4. Also called: CAROTID BODY TUMORS AND MULTIPLE EXTRAADRENAL PHEOCHROMOCYTOMAS; PARAGANGLIOMA, FAMILIAL MALIGNANT; PARAGANGLIOMAS, HEREDITARY EXTRAADRENAL; PHEOCHROMOCYTOMA, FAMILIAL EXTRAADRENAL; Paragangliomas 4; SDHB-Related Hereditary Paraganglioma-Pheochromocytoma Syndrome (Paragangliomas 4). Identifiers: Orphanet 29072, MedGen C1861848, MONDO:0007273, OMIM 115310.

Submissions (2):

Labcorp Genetics (formerly Invitae), Labcorp
Classification: Uncertain significance for Gastrointestinal stromal tumor; Pheochromocytoma/paraganglioma syndrome 4; Pheochromocytoma. Last evaluated: 2022-09-12. Review status: criteria provided, single submitter. Criteria: Invitae Variant Classification Sherloc (09022015). Collection method: clinical testing. Allele origin: germline.
Comment: This sequence change replaces methionine, which is neutral and non-polar, with isoleucine, which is neutral and non-polar, at codon 219 of the SDHB protein (p.Met219Ile). This variant is not present in population databases (gnomAD no frequency). This variant has not been reported in the literature in individuals affected with SDHB-related conditions. Advanced modeling of protein sequence and biophysical properties (such as structural, functional, and spatial information, amino acid conservation, physicochemical variation, residue mobility, and thermodynamic stability) performed at Invitae indicates that this missense variant is not expected to disrupt SDHB protein function. In summary, the available evidence is currently insufficient to determine the role of this variant in disease. Therefore, it has been classified as a Variant of Uncertain Significance.

Dr. Peter K. Rogan Lab, Western University
No classification provided (evidence only). Condition: Ovarian serous cystadenocarcinoma. Review status: no classification provided. Collection method: in vitro. Allele origin: not applicable. Functional consequence: retained intron. Not counted in ClinVar's aggregate classification.